The following is an entry in ClinVar:

NM_000038.6(APC):c.1627-1G>A

Gene: APC (APC regulator of Wnt signaling pathway; plus strand). Cytogenetic location: 5q22.2.
Variant type: single nucleotide variant.
Coding change: c.1627-1G>A on transcript NM_000038.6 (MANE Select); the canonical splice acceptor site of the intron before coding-DNA position 1627, G replaced by A.
Molecular consequence: splice acceptor variant.
Genome position (GRCh38, 1-based): chr5:112,828,855, G>A. VCF-style: chr5-112828855-G-A. GRCh37 (hg19) VCF-style: chr5-112164552-G-A.
Other names: c.778-1G>A (NM_001407470.1, NM_001354906.2); c.475-1G>A (NM_001407472.1, NM_001407471.1); c.1681-1G>A (NM_001407447.1, NM_001407448.1, NM_001407449.1 and 1 more transcripts); c.1627-1G>A (NM_001354895.2, NM_001407450.1, NM_001127510.3); c.1378-1G>A (NM_001407456.1, NM_001407457.1, NM_001407455.1 and 1 more transcripts); c.1324-1G>A (NM_001407460.1, NM_001407458.1, NM_001407459.1 and 1 more transcripts); c.1597-1G>A (NM_001407452.1); c.1240-1G>A (NM_001407469.1, NM_001407467.1); and 11 more.
Identifiers: ClinVar variation 819698 (VCV000819698.4), dbSNP rs1580573847, ClinGen allele CA360620470.
Genomic context (GRCh38, chr5:112,828,855, plus strand): 5'-AACAAAAAAGCAACTAGTATGATTTTATGTATAAATTAATCTAAAATTGATTAATTTGCA[G>A]GTTATTGCGAGTGTTTTGAGGAATTTGTCTTGGCGAGCAGATGTAAATAGTAAAAAGACG-3'

ClinVar aggregate classification (germline): Pathogenic (1 of 4 stars; one submission).

Conditions:
Hereditary cancer-predisposing syndrome. Also called: Neoplastic Syndromes, Hereditary; Tumor predisposition; Hereditary Cancer Syndrome; Hereditary neoplastic syndrome. Identifiers: Orphanet 140162, MedGen C0027672, MeSH D009386, MONDO:0015356.

Submission:

Ambry Genetics
Classification: Pathogenic for Hereditary cancer-predisposing syndrome. Last evaluated: 2019-11-22. Review status: criteria provided, single submitter. Criteria: Ambry Variant Classification Scheme 2023. Collection method: clinical testing. Allele origin: germline.
Comment: The c.1627-1G>A intronic pathogenic mutation results from a G to A substitution one nucleotide upstream from coding exon 13 of the APC gene. RNA studies have demonstrated this alteration results in abnormal splicing in the set of samples tested (Ambry internal data). This alteration has been observed in at least one individual who has a personal or family history that is consistent with APC-associated disease (Ambry internal data). Alterations that disrupt the canonical splice site are expected to cause aberrant splicing, resulting in an abnormal protein or a transcript that is subject to nonsense-mediated mRNA decay. Based on the majority of available evidence to-date, this alteration is interpreted as a disease-causing mutation.